The following is an entry in ClinVar:

NM_001035.3(RYR2):c.6555+333C>T

Gene: RYR2 (ryanodine receptor 2; plus strand). Cytogenetic location: 1q43.
Variant type: single nucleotide variant.
Coding change: c.6555+333C>T on transcript NM_001035.3 (MANE Select); 333 bases into the intron after coding-DNA position 6555, C replaced by T.
Molecular consequence: intron variant.
Genome position (GRCh38, 1-based): chr1:237,631,874, C>T. VCF-style: chr1-237631874-C-T. GRCh37 (hg19) VCF-style: chr1-237795174-C-T.
Identifiers: ClinVar variation 671219 (VCV000671219.1), dbSNP rs551032394, ClinGen allele CA39842774.

ClinVar aggregate classification (germline): Likely benign (1 of 4 stars; one submission).

Allele frequency attached by ClinVar (database versions not stated): 1000 Genomes Project 0.03614; gnomAD 0.03770 and 0.04279; 1000 Genomes Project 30x 0.05294.
gnomAD v4.1: 2,253 of 53,172 alleles (4.2%); highest among the groups gnomAD compares: East Asian, 22%; 101 homozygotes.

Submission:

GeneDx
Classification: Likely benign. Last evaluated: 2018-06-16. Review status: criteria provided, single submitter. Criteria: GeneDx Variant Classification (06012015). Collection method: clinical testing. Allele origin: germline. Affected: yes.
Comment: This variant is considered likely benign or benign based on one or more of the following criteria: it is a conservative change, it occurs at a poorly conserved position in the protein, it is predicted to be benign by multiple in silico algorithms, and/or has population frequency not consistent with disease.